The following is an entry in ClinVar:

ClinVar aggregate classification (germline): Likely benign (1 of 4 stars; one submission).

Conditions:
Multiple endocrine neoplasia, type 1 (MEN1). Also called: MEN I; WERMER SYNDROME; Endocrine adenomatosis multiple; MEN 1; MEA I. Identifiers: Orphanet 652, MedGen C0025267, MeSH D018761, MONDO:0007540, OMIM 131100.

Submission:

Myriad Genetics, Inc.
Classification: Likely benign for Multiple endocrine neoplasia, type 1. Last evaluated: 2024-11-04. Review status: criteria provided, single submitter. Criteria: Myriad Autosomal Dominant, Autosomal Recessive and X-Linked Classification Criteria (2023). Collection method: clinical testing. Allele origin: unknown.
Comment: This variant is considered likely benign. This variant is intronic and is not expected to impact mRNA splicing.

NM_001370259.2(MEN1):c.913-12A>G

Gene: MEN1 (menin 1; minus strand). Cytogenetic location: 11q13.1.
Variant type: single nucleotide variant.
Coding change: c.913-12A>G on transcript NM_001370259.2 (MANE Select); 12 bases into the intron before coding-DNA position 913, A replaced by G.
Molecular consequence: intron variant.
Genome position (GRCh38, 1-based): chr11:64,806,380, T>C on the plus strand (A>G on the coding strand, the complement: MEN1 is on the minus strand). VCF-style: chr11-64806380-T-C. GRCh37 (hg19) VCF-style: chr11-64573852-T-C.
Other names: c.928-12A>G (NM_130804.3, NM_130803.3, NM_000244.4 and 5 more transcripts); c.808-12A>G (NM_001407148.1, NM_001407149.1, NM_001407151.1 and 2 more transcripts); c.913-12A>G (NM_130799.3, NM_001407144.1, NM_001370260.2 and 7 more transcripts).
Identifiers: ClinVar variation 3773227 (VCV003773227.1).